The following is an entry in ClinVar:

ClinVar aggregate classification (germline): Uncertain significance (1 of 4 stars; one submission).

Conditions:
Long QT syndrome (LQTS). Identifiers: MedGen C0023976, MeSH D008133, MONDO:0002442. Disease mechanism: loss of function. Inheritance: Various modes of inheritance.

Allele frequency attached by ClinVar (database versions not stated): TOPMed below 0.00001.

Submission:

Labcorp Genetics (formerly Invitae), Labcorp
Classification: Uncertain significance for Long QT syndrome. Last evaluated: 2023-05-08. Review status: criteria provided, single submitter. Criteria: Invitae Variant Classification Sherloc (09022015). Collection method: clinical testing. Allele origin: germline.
Comment: This sequence change replaces alanine, which is neutral and non-polar, with proline, which is neutral and non-polar, at codon 72 of the KCNQ1 protein (p.Ala72Pro). In summary, the available evidence is currently insufficient to determine the role of this variant in disease. Therefore, it has been classified as a Variant of Uncertain Significance. Algorithms developed to predict the effect of missense changes on protein structure and function output the following: SIFT: "Not Available"; PolyPhen-2: "Benign"; Align-GVGD: "Not Available". The proline amino acid residue is found in multiple mammalian species, which suggests that this missense change does not adversely affect protein function. ClinVar contains an entry for this variant (Variation ID: 1910923). This variant has not been reported in the literature in individuals affected with KCNQ1-related conditions. This variant is not present in population databases (gnomAD no frequency).

NM_000218.3(KCNQ1):c.214G>C (p.Ala72Pro)

Gene: KCNQ1 (potassium voltage-gated channel subfamily Q member 1; plus strand). Cytogenetic location: 11p15.5.
Variant type: single nucleotide variant.
Coding change: c.214G>C on transcript NM_000218.3 (MANE Select); coding-DNA position 214, G replaced by C.
Protein change: p.Ala72Pro; replaces alanine 72 with proline.
Molecular consequence: missense variant.
Genome position (GRCh38, 1-based): chr11:2,445,312, G>C. VCF-style: chr11-2445312-G-C. GRCh37 (hg19) VCF-style: chr11-2466542-G-C.
Other names: c.214G>C, p.Ala72Pro (NM_001406836.1, NM_001406838.1); c.-149G>C (NM_001406837.1); short protein forms A72P.
Identifiers: ClinVar variation 1910923 (VCV001910923.5), dbSNP rs1846020384, ClinGen allele CA379116752.